The following is an entry in ClinVar:

ClinVar aggregate classification (germline): Uncertain significance (1 of 4 stars; one submission).

Submission:

Greenwood Genetic Center Diagnostic Laboratories, Greenwood Genetic Center
Classification: Uncertain significance. Last evaluated: 2025-04-08. Review status: criteria provided, single submitter. Criteria: ACMG Guidelines, 2015. Collection method: clinical testing. Allele origin: germline. Affected: yes.
Comment: PM2, BP4

NM_001379451.1(BCORL1):c.3850G>A (p.Asp1284Asn)

Gene: BCORL1 (BCL6 corepressor like 1; plus strand). Cytogenetic location: Xq26.1.
Variant type: single nucleotide variant.
Coding change: c.3850G>A on transcript NM_001379451.1 (MANE Select); coding-DNA position 3850, G replaced by A.
Protein change: p.Asp1284Asn; replaces aspartic acid 1284 with asparagine.
Molecular consequence: missense variant. On other transcripts: intron variant (4).
Genome position (GRCh38, 1-based): chrX:130,025,151, G>A. VCF-style: chrX-130025151-G-A. GRCh37 (hg19) VCF-style: chrX-129159126-G-A.
Other names: c.3850G>A, p.Asp1284Asn (NM_001441328.1, NM_021946.5, NM_001184772.3 and 3 more transcripts); c.3688+2174G>A (NM_001441329.1, NM_001441331.1, NM_001441330.1 and 1 more transcripts); short protein forms D1284N.
Identifiers: ClinVar variation 4538252 (VCV004538252.1).